The following is an entry in ClinVar:

ClinVar aggregate classification (germline): Benign/Likely benign. Review status: criteria provided, multiple submitters, no conflicts (2 of 4 stars). 7 submissions from 7 submitters: Benign (6); Likely benign (1). Last evaluated 2026-02-04.

Conditions:
Diamond-Blackfan anemia. Also called: Blackfan Diamond syndrome; Aregenerative anemia chronic congenital; Red cell aplasia, pure hereditary; Congenital hypoplastic anemia; Aase syndrome. Identifiers: Orphanet 124, MedGen C1260899, MeSH D029503, MONDO:0015253, HP:0004810.
Diamond-Blackfan anemia 6 (DBA6). Also called: RPL5-Related Diamond-Blackfan Anemia. Identifiers: Orphanet 124, MedGen C2931850, MONDO:0012937, OMIM 612561.

Allele frequency attached by ClinVar (database versions not stated): gnomAD exomes 0.00574 and 0.00213; gnomAD 0.02106 and 0.02253; ExAC 0.00680; 1000 Genomes Project 30x 0.02889; TOPMed 0.02362; 1000 Genomes Project 0.02416; ESP Exome Variant Server 0.02437.
gnomAD v4.1: 6,458 of 1,611,662 alleles (0.4%); highest among the groups gnomAD compares: African/African-American, 7.4%; 210 homozygotes.

Submissions (7):

Labcorp Genetics (formerly Invitae), Labcorp
Classification: Benign for Diamond-Blackfan anemia. Last evaluated: 2026-02-04. Review status: criteria provided, single submitter. Criteria: Invitae Variant Classification Sherloc (09022015). Collection method: clinical testing. Allele origin: germline.

Fulgent Genetics
Classification: Likely benign for Diamond-Blackfan anemia 6. Last evaluated: 2021-09-28. Review status: criteria provided, single submitter. Criteria: ACMG Guidelines, 2015. Collection method: clinical testing. Allele origin: unknown.

Illumina Laboratory Services, Illumina
Classification: Benign for Diamond-Blackfan anemia 6. Last evaluated: 2018-01-13. Review status: criteria provided, single submitter. Criteria: ICSL Variant Classification Criteria 13 December 2019. Collection method: clinical testing. Allele origin: germline.
Comment: This variant was observed in the ICSL laboratory as part of a predisposition screen in an ostensibly healthy population. It had not been previously curated by ICSL or reported in the Human Gene Mutation Database (HGMD: prior to June 1st, 2018), and was therefore a candidate for classification through an automated scoring system. Utilizing variant allele frequency, disease prevalence and penetrance estimates, and inheritance mode, an automated score was calculated to assess if this variant is too frequent to cause the disease. Based on the score and internal cut-off values, a variant classified as benign is not then subjected to further curation. The score for this variant resulted in a classification of benign for this disease.

ARUP Laboratories, Molecular Genetics and Genomics, ARUP Laboratories
Classification: Benign. Last evaluated: 2017-04-04. Review status: criteria provided, single submitter. Criteria: ARUP Molecular Germline Variant Investigation Process. Collection method: clinical testing. Allele origin: germline.

Ambry Genetics
Classification: Benign for Diamond-Blackfan anemia. Last evaluated: 2016-02-02. Review status: criteria provided, single submitter. Criteria: Ambry Variant Classification Scheme 2023. Collection method: clinical testing. Allele origin: germline.

GeneDx
Classification: Benign. Last evaluated: 2015-03-03. Review status: criteria provided, single submitter. Criteria: GeneDx Variant Classification Process June 2021. Collection method: clinical testing. Allele origin: germline. Affected: yes.

Breakthrough Genomics
Classification: Benign. Review status: criteria provided, single submitter. Criteria: ACMG Guidelines, 2015. Collection method: not provided. Allele origin: germline. Inheritance: Autosomal dominant inheritance. Affected: yes.

NM_000969.5(RPL5):c.165G>A (p.Val55=)

Genes: DIPK1A (divergent protein kinase domain 1A; minus strand), RPL5 (ribosomal protein L5; plus strand). Cytogenetic location: 1p22.1.
Variant type: single nucleotide variant.
Coding change: c.165G>A on transcript NM_000969.5 (MANE Select); coding-DNA position 165, G replaced by A.
Protein change: p.Val55=; no amino-acid change (valine 55 retained).
Molecular consequence: synonymous variant. On other transcripts: non-coding transcript variant (1), intron variant (1).
Genome position (GRCh38, 1-based): chr1:92,833,636, G>A. VCF-style: chr1-92833636-G-A. GRCh37 (hg19) VCF-style: chr1-93299193-G-A.
Other names: c.475-602C>T (NM_001252273.2).
Identifiers: ClinVar variation 238196 (VCV000238196.27), dbSNP rs58263806, ClinGen allele CA952380.
Genomic context (GRCh38, chr1:92,833,636, plus strand): 5'-CTTGGTGATACAAGATAAAAATAAATACAACACACCCAAATACAGGATGATAGTTCGTGT[G>A]ACAAACAGAGATATCATTTGTCAGGTAAGTTGTATTCTAGACAGTCCCCTTTTTTTATTG-3'
Protein context (NP_000960.2, residues 45-65): NTPKYRMIVR[Val55=]TNRDIICQIA